The following is an entry in ClinVar:

NM_012154.5(AGO2):c.889C>G (p.Gln297Glu)

Genes: AGO2 (argonaute RISC catalytic component 2; minus strand), LOC126860544 (MED14-independent group 3 enhancer GRCh37_chr8:141567119-141568318; plus strand). Cytogenetic location: 8q24.3.
Variant type: single nucleotide variant.
Coding change: c.889C>G on transcript NM_012154.5 (MANE Select); coding-DNA position 889, C replaced by G.
Protein change: p.Gln297Glu; replaces glutamine 297 with glutamic acid.
Molecular consequence: missense variant.
Genome position (GRCh38, 1-based): chr8:140,557,226, G>C on the plus strand (C>G on the coding strand, the complement: AGO2 is on the minus strand). VCF-style: chr8-140557226-G-C. GRCh37 (hg19) VCF-style: chr8-141567325-G-C.
Other names: c.889C>G, p.Gln297Glu (NM_001164623.3); short protein forms Q297E.
Identifiers: ClinVar variation 4881408 (VCV004881408.2).

ClinVar aggregate classification (germline): Uncertain significance (1 of 4 stars; one submission).

Conditions:
Lessel-Kreienkamp syndrome. Identifiers: MedGen C5436892, MONDO:0030897, OMIM 619149.

Submission:

Dasa
Classification: Uncertain significance for Lessel-Kreienkamp syndrome. Last evaluated: 2026-03-05. Review status: criteria provided, single submitter. Criteria: DASA Assertion Criteria. Collection method: clinical testing. Allele origin: germline.
Comment: NM_012154.5(AGO2):c.889C>G (p.Gln297Glu) is a missense variant that results in the substitution of glutamine with glutamic acid. This variant is rare in population databases. The currently available literature and clinical evidence are not sufficient to establish a definitive association between this variant and the reported condition. Therefore, this variant is classified as a variant of uncertain significance.